The following is an entry in ClinVar:

ClinVar aggregate classification (germline): Pathogenic/Likely pathogenic. Review status: criteria provided, multiple submitters, no conflicts (2 of 4 stars). 4 submissions from 4 submitters: Pathogenic (3); Likely pathogenic (1). Last evaluated 2025-09-19.

Conditions:
Isolated microphthalmia 5. Also called: Posterior Microphthalmia with Retinitis Pigmentosa, Foveoschisis, and Optic Disc Drusen. Identifiers: Orphanet 251279, MedGen C1970236, MONDO:0012605, OMIM 611040.
Nanophthalmos 2 (NNO2). Also called: NANOPHTHALMIA 2; NANOPHTHALMOS, AUTOSOMAL RECESSIVE. Identifiers: Orphanet 35612, MedGen C1836006, MONDO:0012299, OMIM 609549.
C1QTNF5 & MFRP-related disorders.

Allele frequency attached by ClinVar (database versions not stated): TOPMed below 0.00001.

Submissions (4):

First Genomix Gene Laboratory, Genetic Diagnostics Department
Classification: Pathogenic for Isolated microphthalmia 5; Nanophthalmos 2. Last evaluated: 2025-09-19. Review status: criteria provided, single submitter. Criteria: ACMG Guidelines, 2015. Collection method: clinical testing. Allele origin: germline. Inheritance: Autosomal recessive inheritance. Affected: no. Observed: 1 variant allele.

Blueprint Genetics
Classification: Pathogenic for C1QTNF5 & MFRP-related disorders. Last evaluated: 2024-07-31. Review status: criteria provided, single submitter. Criteria: ACMG Guidelines, 2015. Collection method: clinical testing. Allele origin: germline. Affected: yes. Observed: 2 variant alleles.

Genomic Medicine Center of Excellence, King Faisal Specialist Hospital and Research Centre
Classification: Pathogenic for Microphthalmia, isolated 5. Last evaluated: 2024-03-14. Review status: criteria provided, single submitter. Criteria: ACMG Guidelines, 2015. Collection method: clinical testing. Allele origin: germline.

Labcorp Genetics (formerly Invitae), Labcorp
Classification: Likely pathogenic for Isolated microphthalmia 5. Last evaluated: 2022-02-01. Review status: criteria provided, single submitter. Criteria: Invitae Variant Classification Sherloc (09022015). Collection method: clinical testing. Allele origin: germline.
Comment: In summary, the currently available evidence indicates that the variant is pathogenic, but additional data are needed to prove that conclusively. Therefore, this variant has been classified as Likely Pathogenic. Algorithms developed to predict the effect of sequence changes on RNA splicing suggest that this variant may disrupt the consensus splice site. ClinVar contains an entry for this variant (Variation ID: 939555). Disruption of this splice site has been observed in individual(s) with posterior microphthalmos (PMID: 29450879). This variant is not present in population databases (gnomAD no frequency). This sequence change affects an acceptor splice site in intron 4 of the MFRP gene. It is expected to disrupt RNA splicing. Variants that disrupt the donor or acceptor splice site typically lead to a loss of protein function (PMID: 16199547), and loss-of-function variants in MFRP are known to be pathogenic (PMID: 12140190, 15976030, 20361016).

Literature cited by the submitters: PubMed 29450879 (cited by Labcorp Genetics (formerly Invitae), Labcorp); PubMed 16199547 (cited by Labcorp Genetics (formerly Invitae), Labcorp); PubMed 12140190 (cited by Labcorp Genetics (formerly Invitae), Labcorp); PubMed 15976030 (cited by Labcorp Genetics (formerly Invitae), Labcorp); PubMed 20361016 (cited by Labcorp Genetics (formerly Invitae), Labcorp).

NM_031433.4(MFRP):c.428-2A>G

Genes: C1QTNF5 (C1q and TNF related 5; minus strand), MFRP (membrane frizzled-related protein; minus strand). Cytogenetic location: 11q23.3.
Variant type: single nucleotide variant.
Coding change: c.428-2A>G on transcript NM_031433.4 (MANE Select); the canonical splice acceptor site of the intron before coding-DNA position 428, A replaced by G.
Molecular consequence: splice acceptor variant.
Genome position (GRCh38, 1-based): chr11:119,345,635, T>C on the plus strand (A>G on the coding strand, the complement: MFRP is on the minus strand). VCF-style: chr11-119345635-T-C. GRCh37 (hg19) VCF-style: chr11-119216345-T-C.
Other names: c.-2209-2A>G (NM_015645.5).
Identifiers: ClinVar variation 939555 (VCV000939555.12), dbSNP rs986503217, ClinGen allele CA229678106.